The following is an entry in ClinVar:

NM_144991.3(TSPEAR):c.1676A>G (p.Tyr559Cys)

Genes: TSPEAR (thrombospondin type laminin G domain and EAR repeats; minus strand), TSPEAR-AS1 (TSPEAR antisense RNA 1; plus strand), LOC126653398 (CDK7 strongly-dependent group 2 enhancer GRCh37_chr21:45928270-45929469; plus strand). Cytogenetic location: 21q22.3.
Variant type: single nucleotide variant.
Coding change: c.1676A>G on transcript NM_144991.3 (MANE Select); coding-DNA position 1676, A replaced by G.
Protein change: p.Tyr559Cys; replaces tyrosine 559 with cysteine.
Molecular consequence: missense variant. On other transcripts: non-coding transcript variant (1).
Genome position (GRCh38, 1-based): chr21:44,509,277, T>C on the plus strand (A>G on the coding strand, the complement: TSPEAR is on the minus strand). VCF-style: chr21-44509277-T-C. GRCh37 (hg19) VCF-style: chr21-45929160-T-C.
Other names: c.1472A>G, p.Tyr491Cys (NM_001272037.2); short protein forms Y491C, Y559C.
Identifiers: ClinVar variation 1878908 (VCV001878908.5), dbSNP rs139158760, ClinGen allele CA10056424.

ClinVar aggregate classification (germline): Uncertain significance. Review status: criteria provided, multiple submitters, no conflicts (2 of 4 stars). 3 submissions from 3 submitters: Uncertain significance (3). Last evaluated 2024-06-19.

Conditions:
Inborn genetic diseases. Identifiers: MedGen C0950123, MeSH D030342.

Allele frequency attached by ClinVar (database versions not stated): gnomAD 0.00004; TOPMed 0.00005; ExAC 0.00007; ESP Exome Variant Server 0.00008; gnomAD exomes 0.00008.
gnomAD v4.1: 120 of 1,613,648 alleles (0.0074%); highest among the groups gnomAD compares: Non-Finnish European, 0.0065%; no homozygotes.

Submissions (3):

Blueprint Genetics
Classification: Uncertain significance. Last evaluated: 2024-06-19. Review status: criteria provided, single submitter. Criteria: ACMG Guidelines, 2015. Collection method: clinical testing. Allele origin: germline.

GeneDx
Classification: Uncertain significance. Last evaluated: 2023-01-11. Review status: criteria provided, single submitter. Criteria: GeneDx Variant Classification Process June 2021. Collection method: clinical testing. Allele origin: germline. Affected: yes.
Comment: In silico analysis supports that this missense variant has a deleterious effect on protein structure/function; Has not been previously published as pathogenic or benign to our knowledge

Ambry Genetics
Classification: Uncertain significance for Inborn genetic diseases. Last evaluated: 2022-03-29. Review status: criteria provided, single submitter. Criteria: Ambry Variant Classification Scheme 2023. Collection method: clinical testing. Allele origin: germline.